The following is an entry in ClinVar:

NM_001244008.2(KIF1A):c.4783A>G (p.Met1595Val)

Gene: KIF1A (kinesin family member 1A; minus strand). Cytogenetic location: 2q37.3.
Variant type: single nucleotide variant.
Coding change: c.4783A>G on transcript NM_001244008.2 (MANE Select); coding-DNA position 4783, A replaced by G.
Protein change: p.Met1595Val; replaces methionine 1595 with valine.
Molecular consequence: missense variant.
Genome position (GRCh38, 1-based): chr2:240,720,999, T>C on the plus strand (A>G on the coding strand, the complement: KIF1A is on the minus strand). VCF-style: chr2-240720999-T-C. GRCh37 (hg19) VCF-style: chr2-241660416-T-C.
Other names: c.4507A>G, p.Met1503Val (NM_001320705.2, NM_001379649.1); c.4534A>G, p.Met1512Val (NM_001330289.2); c.4582A>G, p.Met1528Val (NM_001330290.2, NM_001379648.1); c.4858A>G, p.Met1620Val (NM_001379631.1); c.4759A>G, p.Met1587Val (NM_001379632.1); c.4756A>G, p.Met1586Val (NM_001379633.1, NM_001379645.1); c.4609A>G, p.Met1537Val (NM_001379634.1); c.4606A>G, p.Met1536Val (NM_001379635.1, NM_001379646.1); and 7 more; short protein forms M1511V, M1528V, M1536V, M1595V, M1494V, M1537V, M1586V, M1620V.
Identifiers: ClinVar variation 1743057 (VCV001743057.7), dbSNP rs368692511, ClinGen allele CA2207298.
Genomic context (GRCh38, chr2:240,720,999, plus strand): 5'-CTTCAACCAGAGAGGGGCAAGTGGAGGAGGGGGTGAGAGTGGCCACCCCTAGAGGGGACA[T>C]CGACGGGTCCCGGAGCAGGGTGACAGACATCTCGGAGAGCTGCGGAGGAGAGGCCTTTTT-3'
Protein context (NP_001230937.1, residues 1585-1605): MSVTLLRDPS[Met1595Val]SPLGVATLTP

ClinVar aggregate classification (germline): Conflicting classifications of pathogenicity. Review status: criteria provided, conflicting classifications (1 of 4 stars). 2 submissions from 2 submitters: Uncertain significance (1); Benign (1). Last evaluated 2022-09-23.

Conditions:
Inborn genetic diseases. Identifiers: MedGen C0950123, MeSH D030342.
Hereditary spastic paraplegia 30. Identifiers: Orphanet 101010, MedGen C5235139, MONDO:0012476.
Neuropathy, hereditary sensory, type 2C. Also called: Hereditary sensory and autonomic neuropathy type IIC; KIF1A-Related HSAN2 (HSAN2C). Identifiers: Orphanet 970, MedGen C3280168, MONDO:0013634, OMIM 614213.
Intellectual disability, autosomal dominant 9 (NESCAVS). Also called: NESCAV SYNDROME; KIF1A-Related Neurodevelopmental Disorder. Identifiers: Orphanet 662367, MedGen C5393830, MONDO:0013656, OMIM 614255.

Allele frequency attached by ClinVar (database versions not stated): ExAC 0.00001; gnomAD 0.00002; TOPMed 0.00002; ESP Exome Variant Server 0.00008.

Submissions (2):

Ambry Genetics
Classification: Uncertain significance for Inborn genetic diseases. Last evaluated: 2022-09-23. Review status: criteria provided, single submitter. Criteria: Ambry Variant Classification Scheme 2023. Collection method: clinical testing. Allele origin: germline.
Comment: The p.M1595V variant (also known as c.4783A>G), located in coding exon 44 of the KIF1A gene, results from an A to G substitution at nucleotide position 4783. The methionine at codon 1595 is replaced by valine, an amino acid with highly similar properties. This amino acid position is not well conserved in available vertebrate species. In addition, this alteration is predicted to be tolerated by in silico analysis. The evidence for this gene-disease relationship is limited; therefore, the clinical significance of this alteration is unclear.

Labcorp Genetics (formerly Invitae), Labcorp
Classification: Benign for Hereditary spastic paraplegia 30; Neuropathy, hereditary sensory, type 2C; Intellectual disability, autosomal dominant 9. Last evaluated: 2022-09-15. Review status: criteria provided, single submitter. Criteria: Invitae Variant Classification Sherloc (09022015). Collection method: clinical testing. Allele origin: germline.